The following is an entry in ClinVar:

ClinVar aggregate classification (germline): Likely benign. Review status: reviewed by expert panel (3 of 4 stars). 2 submissions from 2 submitters: Likely benign (1). 1 of the submissions does not count toward it. Last evaluated 2017-06-29.

Conditions:
Hereditary cancer-predisposing syndrome. Also called: Tumor predisposition; Hereditary Cancer Syndrome; Hereditary neoplastic syndrome; Neoplastic Syndromes, Hereditary. Identifiers: Orphanet 140162, MedGen C0027672, MeSH D009386, MONDO:0015356.
Breast-ovarian cancer, familial, susceptibility to, 2 (BROVCA2). Also called: BRCA2 Hereditary Breast and Ovarian Cancer. Identifiers: Orphanet 145, MedGen C2675520, MONDO:0012933, OMIM 612555. Disease mechanism: loss of function.

Submissions (2):

Evidence-based Network for the Interpretation of Germline Mutant Alleles (ENIGMA)
Classification: Likely benign for Breast-ovarian cancer, familial, susceptibility to, 2. Last evaluated: 2017-06-29. Review status: reviewed by expert panel. Criteria: ENIGMA BRCA1/2 Classification Criteria (2017-06-29). Collection method: curation. Allele origin: germline.
Comment: Synonymous substitution variant, with low bioinformatic likelihood to result in a splicing aberration (Splicing prior probability 0.02).

Ambry Genetics
Classification: Likely benign for Hereditary cancer-predisposing syndrome. Last evaluated: 2014-04-04. Review status: criteria provided, single submitter. Criteria: Ambry Autosomal Dominant and X-Linked criteria (10/2015). Collection method: clinical testing. Allele origin: germline. Observed: 1 variant allele. Not counted in ClinVar's aggregate classification.

NM_000059.4(BRCA2):c.4608G>A (p.Lys1536=)

Gene: BRCA2 (BRCA2 DNA repair associated; plus strand). Cytogenetic location: 13q13.1.
Variant type: single nucleotide variant.
Coding change: c.4608G>A on transcript NM_000059.4 (MANE Select); coding-DNA position 4608, G replaced by A.
Protein change: p.Lys1536=; no amino-acid change (lysine 1536 retained).
Molecular consequence: synonymous variant.
Genome position (GRCh38, 1-based): chr13:32,338,963, G>A. VCF-style: chr13-32338963-G-A. GRCh37 (hg19) VCF-style: chr13-32913100-G-A.
Identifiers: ClinVar variation 184855 (VCV000184855.5), dbSNP rs786201740, ClinGen allele CA020536.
Genomic context (GRCh38, chr13:32,338,963, plus strand): 5'-CAAAGAACCTACTCTATTGGGTTTTCATACAGCTAGCGGGAAAAAAGTTAAAATTGCAAA[G>A]GAATCTTTGGACAAAGTGAAAAACCTTTTTGATGAAAAAGAGCAAGGTACTAGTGAAATC-3'
Protein context (NP_000050.3, residues 1526-1546): TASGKKVKIA[Lys1536=]ESLDKVKNLF